The following is an entry in ClinVar:

ClinVar aggregate classification (germline): Benign. Review status: criteria provided, single submitter (1 of 4 stars). 2 submissions from 2 submitters: Benign (1). 1 of the submissions does not count toward it. Last evaluated 2019-12-31.

Conditions:
DNHD1-related disorder. Also called: DNHD1-related condition.

Allele frequency attached by ClinVar (database versions not stated): gnomAD exomes 0.00046 and 0.00114; ExAC 0.00182; 1000 Genomes Project 0.00339; 1000 Genomes Project 30x 0.00359; ESP Exome Variant Server 0.00482; gnomAD 0.00507 and 0.00554; TOPMed 0.00584.
gnomAD v4.1: 1,467 of 1,551,636 alleles (0.095%); highest among the groups gnomAD compares: African/African-American, 1.6%; 9 homozygotes.

Submissions (2):

Labcorp Genetics (formerly Invitae), Labcorp
Classification: Benign. Last evaluated: 2019-12-31. Review status: criteria provided, single submitter. Criteria: Invitae Variant Classification Sherloc (09022015). Collection method: clinical testing. Allele origin: germline.

PreventionGenetics, part of Exact Sciences
Classification: Benign for DNHD1-related condition. Last evaluated: 2019-11-25. Review status: no assertion criteria provided. Collection method: clinical testing. Allele origin: germline. Not counted in ClinVar's aggregate classification.
Comment: This variant is classified as benign based on ACMG/AMP sequence variant interpretation guidelines (Richards et al. 2015 PMID: 25741868, with internal and published modifications).

NM_144666.3(DNHD1):c.7295G>A (p.Gly2432Asp)

Gene: DNHD1 (dynein heavy chain domain 1; plus strand). Cytogenetic location: 11p15.4.
Variant type: single nucleotide variant.
Coding change: c.7295G>A on transcript NM_144666.3 (MANE Select); coding-DNA position 7295, G replaced by A.
Protein change: p.Gly2432Asp; replaces glycine 2432 with aspartic acid.
Molecular consequence: missense variant.
Genome position (GRCh38, 1-based): chr11:6,548,841, G>A. VCF-style: chr11-6548841-G-A. GRCh37 (hg19) VCF-style: chr11-6570071-G-A.
Other names: short protein forms G2432D.
Identifiers: ClinVar variation 786587 (VCV000786587.6), dbSNP rs147442229, ClinGen allele CA5856218.